The following is an entry in ClinVar:

NM_001379291.1(BRD4):c.3883C>A (p.Gln1295Lys)

Gene: BRD4 (bromodomain containing 4; minus strand). Cytogenetic location: 19p13.12.
Variant type: single nucleotide variant.
Coding change: c.3883C>A on transcript NM_001379291.1 (MANE Select); coding-DNA position 3883, C replaced by A.
Protein change: p.Gln1295Lys; replaces glutamine 1295 with lysine.
Molecular consequence: missense variant.
Genome position (GRCh38, 1-based): chr19:15,238,880, G>T on the plus strand (C>A on the coding strand, the complement: BRD4 is on the minus strand). VCF-style: chr19-15238880-G-T. GRCh37 (hg19) VCF-style: chr19-15349691-G-T.
Other names: c.3883C>A, p.Gln1295Lys (NM_058243.3); short protein forms Q1295K.
Identifiers: ClinVar variation 4759899 (VCV004759899.1).
Genomic context (GRCh38, chr19:15,238,880, plus strand): 5'-AGCTCTGGGCCTGTGGGGTGGCGGCGGCAGCCACCGCAGCTGCTTGCTGTTGCTGCTGCT[G>T]CTGTTGCTCCTGGCGCTGCTGCTGCTGCTGCTCCTGGCGCCGACGTGCCTCCTCATGGGC-3'
Protein context (NP_001366220.1, residues 1285-1305): QQQQQRQEQQ[Gln1295Lys]QQQQQAAAVA

ClinVar aggregate classification (germline): Uncertain significance (1 of 4 stars; one submission).

gnomAD v4.1: 2 of 1,598,888 alleles (0.00013%); highest among the groups gnomAD compares: African/African-American, 0.0013%; no homozygotes.

Submission:

Labcorp Genetics (formerly Invitae), Labcorp
Classification: Uncertain significance. Last evaluated: 2025-02-16. Review status: criteria provided, single submitter. Criteria: Invitae Variant Classification Sherloc (09022015). Collection method: clinical testing. Allele origin: germline.
Comment: This sequence change replaces glutamine, which is neutral and polar, with lysine, which is basic and polar, at codon 1295 of the BRD4 protein (p.Gln1295Lys). The frequency data for this variant in the population databases is considered unreliable, as metrics indicate poor data quality at this position in the gnomAD database. This variant has not been reported in the literature in individuals affected with BRD4-related conditions. An algorithm developed to predict the effect of missense changes on protein structure and function (PolyPhen-2) suggests that this variant is likely to be tolerated. In summary, the available evidence is currently insufficient to determine the role of this variant in disease. Therefore, it has been classified as a Variant of Uncertain Significance.